The following is an entry in ClinVar:

NM_001170700.3(DTHD1):c.1968T>G (p.Asp656Glu)

Gene: DTHD1 (death domain containing 1; plus strand). Cytogenetic location: 4p14.
Variant type: single nucleotide variant.
Coding change: c.1968T>G on transcript NM_001170700.3 (MANE Select); coding-DNA position 1968, T replaced by G.
Protein change: p.Asp656Glu; replaces aspartic acid 656 with glutamic acid.
Molecular consequence: missense variant. On other transcripts: non-coding transcript variant (2).
Genome position (GRCh38, 1-based): chr4:36,308,366, T>G. VCF-style: chr4-36308366-T-G. GRCh37 (hg19) VCF-style: chr4-36309988-T-G.
Other names: c.1593T>G (NM_001170700.1); c.1098T>G, p.Asp366Glu (NM_001136536.5); c.1035T>G, p.Asp345Glu (NM_001378435.1); short protein forms D345E, D656E, D366E.
Identifiers: ClinVar variation 1382156 (VCV001382156.7), dbSNP rs1379530079, ClinGen allele CA356681010.
Genomic context (GRCh38, chr4:36,308,366, plus strand): 5'-ACTGTCTCACCAGAAGGACAATCCACATAGAATAGCTGTTTTAGTGGTGCCTTCCAAAGA[T>G]TTAAGCCAGGTGCTTAAGGACCTGCACTTGGAAGGGTTTGGAGGACCTCCAGAGCCATCT-3'
Protein context (NP_001164171.2, residues 646-666): RIAVLVVPSK[Asp656Glu]LSQVLKDLHL

ClinVar aggregate classification (germline): Uncertain significance. Review status: criteria provided, multiple submitters, no conflicts (2 of 4 stars). 2 submissions from 2 submitters: Uncertain significance (2). Last evaluated 2024-09-25.

Allele frequency attached by ClinVar (database versions not stated): gnomAD exomes 0.00001.
gnomAD v4.1: 5 of 1,551,808 alleles (0.00032%); highest among the groups gnomAD compares: Non-Finnish European, 0.00044%; no homozygotes.

Submissions (2):

Ambry Genetics
Classification: Uncertain significance. Last evaluated: 2024-09-25. Review status: criteria provided, single submitter. Criteria: Ambry Variant Classification Scheme 2023. Collection method: clinical testing. Allele origin: germline.

Labcorp Genetics (formerly Invitae), Labcorp
Classification: Uncertain significance. Last evaluated: 2022-07-11. Review status: criteria provided, single submitter. Criteria: Invitae Variant Classification Sherloc (09022015). Collection method: clinical testing. Allele origin: germline.
Comment: In summary, the available evidence is currently insufficient to determine the role of this variant in disease. Therefore, it has been classified as a Variant of Uncertain Significance. Algorithms developed to predict the effect of missense changes on protein structure and function output the following: SIFT: "Tolerated"; PolyPhen-2: "Benign"; Align-GVGD: "Class C0". The glutamic acid amino acid residue is found in multiple mammalian species, which suggests that this missense change does not adversely affect protein function. ClinVar contains an entry for this variant (Variation ID: 1382156). This variant has not been reported in the literature in individuals affected with DTHD1-related conditions. This variant is present in population databases (no rsID available, gnomAD 0.002%). This sequence change replaces aspartic acid, which is acidic and polar, with glutamic acid, which is acidic and polar, at codon 366 of the DTHD1 protein (p.Asp366Glu).